The following is an entry in ClinVar:

ClinVar aggregate classification (germline): Uncertain significance (1 of 4 stars; one submission).

Allele frequency attached by ClinVar (database versions not stated): gnomAD exomes below 0.00001; ExAC 0.00001; gnomAD 0.00001.
gnomAD v4.1: 3 of 1,613,880 alleles (0.00019%); highest among the groups gnomAD compares: Non-Finnish European, 0.00017%; no homozygotes.

Submission:

Labcorp Genetics (formerly Invitae), Labcorp
Classification: Uncertain significance. Last evaluated: 2023-11-27. Review status: criteria provided, single submitter. Criteria: Invitae Variant Classification Sherloc (09022015). Collection method: clinical testing. Allele origin: germline.
Comment: This sequence change replaces asparagine, which is neutral and polar, with serine, which is neutral and polar, at codon 775 of the FAT4 protein (p.Asn775Ser). This variant is present in population databases (rs762681862, gnomAD 0.0009%). This variant has not been reported in the literature in individuals affected with FAT4-related conditions. ClinVar contains an entry for this variant (Variation ID: 1007852). Advanced modeling of protein sequence and biophysical properties (such as structural, functional, and spatial information, amino acid conservation, physicochemical variation, residue mobility, and thermodynamic stability) performed at Invitae indicates that this missense variant is not expected to disrupt FAT4 protein function with a negative predictive value of 80%. In summary, the available evidence is currently insufficient to determine the role of this variant in disease. Therefore, it has been classified as a Variant of Uncertain Significance.

NM_001291303.3(FAT4):c.2324A>G (p.Asn775Ser)

Gene: FAT4 (FAT atypical cadherin 4; plus strand). Cytogenetic location: 4q28.1.
Variant type: single nucleotide variant.
Coding change: c.2324A>G on transcript NM_001291303.3 (MANE Select); coding-DNA position 2324, A replaced by G.
Protein change: p.Asn775Ser; replaces asparagine 775 with serine.
Molecular consequence: missense variant.
Genome position (GRCh38, 1-based): chr4:125,318,735, A>G. VCF-style: chr4-125318735-A-G. GRCh37 (hg19) VCF-style: chr4-126239890-A-G.
Other names: c.2324A>G, p.Asn775Ser (NM_001291285.3, NM_024582.6); short protein forms N775S.
Identifiers: ClinVar variation 1007852 (VCV001007852.5), dbSNP rs762681862, ClinGen allele CA3072148.